The following is an entry in ClinVar:

ClinVar aggregate classification (germline): Likely pathogenic (1 of 4 stars; one submission).

Submission:

Genetics Laboratory, UDIAT-Centre Diagnòstic, Hospital Universitari Parc Tauli
Classification: Likely pathogenic. Last evaluated: 2021-04-26. Review status: criteria provided, single submitter. Criteria: Parc Tauli Hospital Assertion Criteria 2021. Collection method: clinical testing. Allele origin: paternal. Inheritance: Autosomal recessive inheritance. Affected: yes. Observed: 1 compound heterozygote.
Comment: PVS1_very strong;PM2_supporting

NM_030630.3(HID1):c.1149+1G>T

Gene: HID1 (HID1 domain containing; minus strand). Cytogenetic location: 17q25.1.
Variant type: single nucleotide variant.
Coding change: c.1149+1G>T on transcript NM_030630.3 (MANE Select); the canonical splice donor site of the intron after coding-DNA position 1149, G replaced by T.
Molecular consequence: splice donor variant.
Genome position (GRCh38, 1-based): chr17:74,958,910, C>A on the plus strand (G>T on the coding strand, the complement: HID1 is on the minus strand). VCF-style: chr17-74958910-C-A. GRCh37 (hg19) VCF-style: chr17-72955005-C-A.
Identifiers: ClinVar variation 1098406 (VCV001098406.2), dbSNP rs2144810359, ClinGen allele CA400963727.